The following is an entry in ClinVar:

NM_001035.3(RYR2):c.2984T>C (p.Met995Thr)

Gene: RYR2 (ryanodine receptor 2; plus strand). Cytogenetic location: 1q43.
Variant type: single nucleotide variant.
Coding change: c.2984T>C on transcript NM_001035.3 (MANE Select); coding-DNA position 2984, T replaced by C.
Protein change: p.Met995Thr; replaces methionine 995 with threonine.
Molecular consequence: missense variant.
Genome position (GRCh38, 1-based): chr1:237,548,508, T>C. VCF-style: chr1-237548508-T-C. GRCh37 (hg19) VCF-style: chr1-237711808-T-C.
Other names: c.2984T>C, p.Met995Thr (LRG_402t1); short protein forms M995T.
Identifiers: ClinVar variation 487602 (VCV000487602.15), dbSNP rs1009381849, ClinGen allele CA39810903.

ClinVar aggregate classification (germline): Uncertain significance. Review status: criteria provided, multiple submitters, no conflicts (2 of 4 stars). 4 submissions from 4 submitters: Uncertain significance (3). 1 of the submissions does not count toward it. Last evaluated 2024-03-24.

Conditions:
Catecholaminergic polymorphic ventricular tachycardia (CVPT). Also called: Catecholamine-induced polymorphic ventricular tachycardia. Identifiers: Orphanet 3286, MedGen C5574922, MONDO:0017990.
Wolff-Parkinson-White pattern. Also called: WPW SYNDROME; Auriculoventricular accessory pathway syndrome; False bundle branch block syndrome; Anomalous ventricular excitation syndrome. Identifiers: MedGen C0043202, MONDO:0008685, OMIM 194200, HP:0001716.
Catecholaminergic polymorphic ventricular tachycardia 1. Also called: RYR2-Related Catecholaminergic Polymorphic Ventricular Tachycardia; VENTRICULAR TACHYCARDIA, CATECHOLAMINERGIC POLYMORPHIC, 1, WITH OR WITHOUT ATRIAL DYSFUNCTION AND/OR DILATED CARDIOMYOPATHY; VENTRICULAR TACHYCARDIA, STRESS-INDUCED POLYMORPHIC 1. Identifiers: Orphanet 3286, MedGen C1631597, MONDO:0011484, OMIM 604772.

Allele frequency attached by ClinVar (database versions not stated): gnomAD exomes 0.00001; TOPMed 0.00001.
gnomAD v4.1: 9 of 1,613,926 alleles (0.00056%); highest among the groups gnomAD compares: Admixed American, 0.005%; no homozygotes.

Submissions (4):

All of Us Research Program, National Institutes of Health
Classification: Uncertain significance for Catecholaminergic polymorphic ventricular tachycardia. Last evaluated: 2024-03-24. Review status: criteria provided, single submitter. Criteria: ACMG Guidelines, 2015. Collection method: clinical testing. Allele origin: germline. Inheritance: Autosomal dominant inheritance. Observed: 2 variant alleles, 2 heterozygotes.
Comment: This missense variant replaces methionine with threonine at codon 995 of the RYR2 protein. Computational prediction suggests that this variant may have deleterious impact on protein structure and function (internally defined REVEL score threshold >= 0.7, PMID: 27666373). To our knowledge, functional studies have not been reported for this variant. This variant has not been reported in individuals affected with RYR2-related disorders in the literature. This variant has been identified in 2/249208 chromosomes in the general population by the Genome Aggregation Database (gnomAD). The available evidence is insufficient to determine the role of this variant in disease conclusively. Therefore, this variant is classified as a Variant of Uncertain Significance.

This study involves interpretation of variants in research participants for the purpose of population health screening. Participant phenotype was not available at the time of variant classification. Additional details can be found in publication PMID: 35346344, PMCID: PMC8962531

Labcorp Genetics (formerly Invitae), Labcorp
Classification: Uncertain significance for Catecholaminergic polymorphic ventricular tachycardia 1. Last evaluated: 2024-03-12. Review status: criteria provided, single submitter. Criteria: Invitae Variant Classification Sherloc (09022015). Collection method: clinical testing. Allele origin: germline.
Comment: This sequence change replaces methionine, which is neutral and non-polar, with threonine, which is neutral and polar, at codon 995 of the RYR2 protein (p.Met995Thr). This variant is present in population databases (no rsID available, gnomAD 0.006%). This variant has not been reported in the literature in individuals affected with RYR2-related conditions. ClinVar contains an entry for this variant (Variation ID: 487602). Advanced modeling of protein sequence and biophysical properties (such as structural, functional, and spatial information, amino acid conservation, physicochemical variation, residue mobility, and thermodynamic stability) performed at Invitae indicates that this missense variant is not expected to disrupt RYR2 protein function with a negative predictive value of 95%. In summary, the available evidence is currently insufficient to determine the role of this variant in disease. Therefore, it has been classified as a Variant of Uncertain Significance.

GeneDx
Classification: Uncertain significance. Last evaluated: 2021-02-03. Review status: criteria provided, single submitter. Criteria: GeneDx Variant Classification Process June 2021. Collection method: clinical testing. Allele origin: germline. Affected: yes.
Comment: Has not been previously published as pathogenic or benign to our knowledge; Not observed at a significant frequency in large population cohorts (Lek et al., 2016); In silico analysis supports that this missense variant has a deleterious effect on protein structure/function; Not located in one of the three hot-spot regions of the RYR2 gene, where the majority of pathogenic missense variants occur (Medeiros-Domingo et al., 2009); Reported in ClinVar as a variant of uncertain significance (ClinVar Variant ID# 487602; Landrum et al., 2016)

Lupski Lab, Baylor-Hopkins CMG, Baylor College of Medicine
Classification: Uncertain significance for Wolff-Parkinson-White pattern. Last evaluated: 2017-07-14. Review status: no assertion criteria provided. Collection method: research. Allele origin: inherited. Affected: yes. Observed: 1 variant allele. Study: Candidate_variants_in_patients_with_ Wolff-Parkinson-White Syndrome. Not counted in ClinVar's aggregate classification.